The following is an entry in ClinVar:

ClinVar aggregate classification (germline): Uncertain significance (1 of 4 stars; one submission).

Conditions:
Neuroblastoma, susceptibility to, 3. Also called: ALK-Related Neuroblastic Tumor Susceptibility. Identifiers: Orphanet 635, MedGen C2751681, MONDO:0013083, OMIM 613014.

Submission:

Labcorp Genetics (formerly Invitae), Labcorp
Classification: Uncertain significance for Neuroblastoma, susceptibility to, 3. Last evaluated: 2021-08-06. Review status: criteria provided, single submitter. Criteria: Invitae Variant Classification Sherloc (09022015). Collection method: clinical testing. Allele origin: germline.
Comment: This variant is not present in population databases (ExAC no frequency). This variant has not been reported in the literature in individuals affected with ALK-related conditions. In summary, the available evidence is currently insufficient to determine the role of this variant in disease. Therefore, it has been classified as a Variant of Uncertain Significance. This sequence change creates a premature translational stop signal (p.Cys906Phefs*6) in the ALK gene. It is expected to result in an absent or disrupted protein product. However, the current clinical and genetic evidence is not sufficient to establish whether loss-of-function variants in ALK cause disease.

NM_004304.5(ALK):c.2716_2717insTT (p.Cys906fs)

Gene: ALK (ALK receptor tyrosine kinase; minus strand). Cytogenetic location: 2p23.2.
Variant type: Insertion.
Coding change: c.2716_2717insTT on transcript NM_004304.5 (MANE Select); coding-DNA positions 2716 to 2717, TT inserted.
Protein change: p.Cys906fs; shifts the reading frame from cysteine 906.
Molecular consequence: frameshift variant.
Genome position: GRCh38 VCF-style: chr2-29228982-C-CAA. GRCh37 (hg19) VCF-style: chr2-29451848-C-CAA.
Other names: short protein forms C906fs.
Identifiers: ClinVar variation 1386424 (VCV001386424.6), dbSNP rs2148180615, ClinGen allele CA2573134533.
Genomic context (GRCh38, chr2:29,228,982, plus strand): 5'-CCTCCACCCCCTCCGAAACCCCCTCTTGTCTCCCACCCCCACTTCTTCATGGCCTGGGGG[C>CAA]AGGAATGTCCTCCGGTGGCACCCTCCTGCAAAGATTTTCCGGCCCAGAGCAAGGAAGTGT-3'